The following is an entry in ClinVar:

ClinVar aggregate classification (germline): Pathogenic (1 of 4 stars; one submission).

Conditions:
Very long chain acyl-CoA dehydrogenase deficiency (ACADVLD). Also called: Very Long-Chain Acyl-Coenzyme A Dehydrogenase Deficiency; VLCAD Deficiency. Identifiers: Orphanet 26793, MedGen C3887523, MONDO:0008723, OMIM 201475.

Submission:

Labcorp Genetics (formerly Invitae), Labcorp
Classification: Pathogenic for Very long chain acyl-CoA dehydrogenase deficiency. Last evaluated: 2022-07-15. Review status: criteria provided, single submitter. Criteria: Invitae Variant Classification Sherloc (09022015). Collection method: clinical testing. Allele origin: germline.
Comment: For these reasons, this variant has been classified as Pathogenic. Algorithms developed to predict the effect of sequence changes on RNA splicing suggest that this variant may create or strengthen a splice site. Advanced modeling of protein sequence and biophysical properties (such as structural, functional, and spatial information, amino acid conservation, physicochemical variation, residue mobility, and thermodynamic stability) performed at Invitae indicates that this missense variant is expected to disrupt ACADVL protein function. This missense change has been observed in individual(s) with clinical features of very long-chain acyl-CoA dehydrogenase deficiency (Invitae). In at least one individual the data is consistent with being in trans (on the opposite chromosome) from a pathogenic variant. This variant is not present in population databases (gnomAD no frequency). This sequence change replaces valine, which is neutral and non-polar, with glycine, which is neutral and non-polar, at codon 267 of the ACADVL protein (p.Val267Gly).

NM_000018.4(ACADVL):c.800T>G (p.Val267Gly)

Gene: ACADVL (acyl-CoA dehydrogenase very long chain; plus strand). Cytogenetic location: 17p13.1.
Variant type: single nucleotide variant.
Coding change: c.800T>G on transcript NM_000018.4 (MANE Select); coding-DNA position 800, T replaced by G.
Protein change: p.Val267Gly; replaces valine 267 with glycine.
Molecular consequence: missense variant.
Genome position (GRCh38, 1-based): chr17:7,222,224, T>G. VCF-style: chr17-7222224-T-G. GRCh37 (hg19) VCF-style: chr17-7125543-T-G.
Other names: c.734T>G, p.Val245Gly (NM_001033859.3); c.869T>G, p.Val290Gly (NM_001270447.2); c.572T>G, p.Val191Gly (NM_001270448.2); short protein forms V191G, V245G, V290G, V267G.
Identifiers: ClinVar variation 2017598 (VCV002017598.4), dbSNP rs2508304063, ClinGen allele CA397723718.